The following is an entry in ClinVar:

NM_005912.3(MC4R):c.852T>G (p.Phe284Leu)

Gene: MC4R (melanocortin 4 receptor; minus strand). Cytogenetic location: 18q21.32.
Variant type: single nucleotide variant.
Coding change: c.852T>G on transcript NM_005912.3 (MANE Select); coding-DNA position 852, T replaced by G.
Protein change: p.Phe284Leu; replaces phenylalanine 284 with leucine.
Molecular consequence: missense variant.
Genome position (GRCh38, 1-based): chr18:60,371,498, A>C on the plus strand (T>G on the coding strand, the complement: MC4R is on the minus strand). VCF-style: chr18-60371498-A-C. GRCh37 (hg19) VCF-style: chr18-58038731-A-C.
Other names: c.852T>G (NM_005912.2); short protein forms F284L.
Identifiers: ClinVar variation 4812845 (VCV004812845.2).

ClinVar aggregate classification (germline): Conflicting classifications of pathogenicity. Review status: criteria provided, conflicting classifications (1 of 4 stars). 2 submissions from 2 submitters: Likely pathogenic (1); Uncertain significance (1). Last evaluated 2025-08-26.

Conditions:
MC4R-related disorder. Also called: MC4R-related condition.
Early onset severe obesity. Identifiers: MedGen C4013980.

Submissions (2):

PreventionGenetics, part of Exact Sciences
Classification: Uncertain significance for MC4R-related condition. Last evaluated: 2025-08-26. Review status: criteria provided, single submitter. Criteria: ACMG Guidelines, 2015. Collection method: clinical testing. Allele origin: germline.
Comment: The MC4R c.852T>G variant is predicted to result in the amino acid substitution p.Phe284Leu. To our knowledge, this variant has not been reported in the literature. This variant is reported in 0.011% of alleles in individuals of African descent in gnomAD. An alternative missense change at the same amino acid position (p.Phe284Ile) was documented in a family with severe early-onset obesity (De Rosa et al. 2019. PubMed ID: 30811542). At this time, the clinical significance of this variant is uncertain due to the absence of conclusive functional and genetic evidence.

Cambridge Genomics Laboratory, East Genomic Laboratory Hub, NHS Genomic Medicine Service
Classification: Likely pathogenic for Severe early-onset obesity. Last evaluated: 2025-03-03. Review status: criteria provided, single submitter. Criteria: ACGS Best Practice Guidelines for Variant Classification in Rare Disease 2020. Collection method: clinical testing. Allele origin: germline. Affected: yes.
Comment: The rare missense variant c.852T>G p.(Phe284Leu) in the MC4R gene has not been reported previously as a pathogenic variant nor as a benign variant, to our knowledge. The variant has been located in the transmembrane domain of the protein. Multiple in silico tools predict ist effect as deleterious. The patient's phenotype is highly specific for a disease caused by variants in this gene as well.